The following is an entry in ClinVar:

ClinVar aggregate classification (germline): Pathogenic (1 of 4 stars; one submission).

Submission:

CeGaT Center for Human Genetics Tuebingen
Classification: Pathogenic. Last evaluated: 2026-02-01. Review status: criteria provided, single submitter. Criteria: CeGaT Center For Human Genetics Tuebingen Variant Classification Criteria Version 2. Collection method: clinical testing. Allele origin: germline. Affected: yes. Observed: 1 variant allele.
Comment: ACVRL1: PVS1, PM2

NM_000020.3(ACVRL1):c.501_523delinsAATT (p.Glu168fs)

Gene: ACVRL1 (activin A receptor like type 1; plus strand). Cytogenetic location: 12q13.13.
Variant type: Indel.
Coding change: c.501_523delinsAATT on transcript NM_000020.3 (MANE Select); coding-DNA positions 501 to 523, TGAGCAGGGCGACAGCATGTTGG replaced by AATT.
Protein change: p.Glu168fs; shifts the reading frame from glutamic acid 168.
Molecular consequence: frameshift variant. On other transcripts: intron variant (6).
Genome position (GRCh38, 1-based): chr12:51,913,746-51,913,768, TGAGCAGGGCGACAGCATGTTGG replaced by AATT. VCF-style: chr12-51913746-TGAGCAGGGCGACAGCATGTTGG-AATT. GRCh37 (hg19) VCF-style: chr12-52307530-TGAGCAGGGCGACAGCATGTTGG-AATT.
Other names: c.501_523delinsAATT, p.Glu168fs (NM_001077401.2, NM_001406487.1, NM_001406488.1 and 1 more transcripts); c.313+396_313+418delinsAATT (NM_001406491.1, NM_001406490.1, NM_001406492.1 and 2 more transcripts); c.62-693_62-671delinsAATT (NM_001406495.1); short protein forms E168fs.
Identifiers: ClinVar variation 4823838 (VCV004823838.4).